The following is an entry in ClinVar:

ClinVar aggregate classification (germline): Benign/Likely benign. Review status: criteria provided, multiple submitters, no conflicts (2 of 4 stars). 5 submissions from 5 submitters: Benign (1); Likely benign (4). Last evaluated 2026-01-28.

Conditions:
Familial cancer of breast. Also called: BREAST CANCER, FAMILIAL; hereditary breast carcinoma; Hereditary breast cancer. Identifiers: Orphanet 227535, MedGen C0346153, MONDO:0016419, OMIM 114480. Disease mechanism: loss of function.
Ovarian cancer. Also called: OVARIAN CANCER, SOMATIC. Identifiers: Orphanet 213500, MedGen C1140680, MONDO:0008170, OMIM 167000.
Hereditary cancer-predisposing syndrome. Also called: Tumor predisposition; Neoplastic Syndromes, Hereditary; Hereditary Cancer Syndrome; Hereditary neoplastic syndrome. Identifiers: Orphanet 140162, MedGen C0027672, MeSH D009386, MONDO:0015356.
Hereditary diffuse gastric adenocarcinoma (HDGC). Also called: DIFFUSE GASTRIC AND LOBULAR BREAST CANCER SYNDROME. Identifiers: Orphanet 26106, MedGen C1708349, MONDO:0007648, OMIM 137215.

Allele frequency attached by ClinVar (database versions not stated): TOPMed below 0.00001; gnomAD exomes 0.00002 and 0.00004; ExAC 0.00006.
gnomAD v4.1: 31 of 1,614,102 alleles (0.0019%); highest among the groups gnomAD compares: South Asian, 0.031%; no homozygotes.

Submissions (5):

Labcorp Genetics (formerly Invitae), Labcorp
Classification: Likely benign for Hereditary diffuse gastric adenocarcinoma. Last evaluated: 2026-01-28. Review status: criteria provided, single submitter. Criteria: Invitae Variant Classification Sherloc (09022015). Collection method: clinical testing. Allele origin: germline.

Myriad Genetics, Inc.
Classification: Benign for Hereditary diffuse gastric adenocarcinoma. Last evaluated: 2024-09-17. Review status: criteria provided, single submitter. Criteria: Myriad Autosomal Dominant, Autosomal Recessive and X-Linked Classification Criteria (2023). Collection method: clinical testing. Allele origin: unknown.
Comment: This variant is considered benign. This variant is a silent/synonymous amino acid change and it is not expected to impact splicing.

Department of Pathology and Laboratory Medicine, Sinai Health System
Classification: Likely benign for Familial cancer of breast; Ovarian cancer. Last evaluated: 2023-10-08. Review status: criteria provided, single submitter. Criteria: ACMG Guidelines, 2015. Collection method: clinical testing. Allele origin: germline. Affected: yes.

Ambry Genetics
Classification: Likely benign for Hereditary cancer-predisposing syndrome. Last evaluated: 2020-08-17. Review status: criteria provided, single submitter. Criteria: Ambry Variant Classification Scheme 2023. Collection method: clinical testing. Allele origin: germline.

Color Diagnostics, LLC DBA Color Health
Classification: Likely benign for Hereditary cancer-predisposing syndrome. Last evaluated: 2017-07-26. Review status: criteria provided, single submitter. Criteria: ACMG Guidelines, 2015. Collection method: clinical testing. Allele origin: germline.

Literature cited by the submitters: PubMed 11968083 (cited by Department of Pathology and Laboratory Medicine, Sinai Health System).

NM_004360.5(CDH1):c.918C>T (p.Ser306=)

Gene: CDH1 (cadherin 1; plus strand). Cytogenetic location: 16q22.1.
Variant type: single nucleotide variant.
Coding change: c.918C>T on transcript NM_004360.5 (MANE Select); coding-DNA position 918, C replaced by T.
Protein change: p.Ser306=; no amino-acid change (serine 306 retained).
Molecular consequence: synonymous variant. On other transcripts: 5 prime UTR variant (2).
Genome position (GRCh38, 1-based): chr16:68,811,769, C>T. VCF-style: chr16-68811769-C-T. GRCh37 (hg19) VCF-style: chr16-68845672-C-T.
Other names: c.918C>T (LRG_301t1); c.918C>T, p.Ser306= (NM_001317184.2); c.-698C>T (NM_001317185.2); c.-902C>T (NM_001317186.2).
Identifiers: ClinVar variation 491560 (VCV000491560.18), dbSNP rs761516528, ClinGen allele CA8129954.